The following is an entry in ClinVar:

NM_001042492.3(NF1):c.672del (p.Glu225fs)

Gene: NF1 (neurofibromin 1; plus strand). Cytogenetic location: 17q11.2.
Variant type: Deletion.
Coding change: c.672del on transcript NM_001042492.3 (MANE Select); coding-DNA position 672, one base deleted (A; older notation c.672delA).
Protein change: p.Glu225fs; shifts the reading frame from glutamic acid 225.
Molecular consequence: frameshift variant.
Genome position (GRCh38, 1-based): chr17:31,181,727, A deleted. VCF-style (leftmost placement, unchanged base first): chr17-31181726-TA-T. GRCh37 (hg19) VCF-style: chr17-29508744-TA-T.
Other names: c.672del, p.Glu225fs (NM_000267.4, NM_001128147.3); short protein forms E225fs.
Identifiers: ClinVar variation 4729790 (VCV004729790.1).

ClinVar aggregate classification (germline): Pathogenic (1 of 4 stars; one submission).

Conditions:
Neurofibromatosis, type 1 (NF1). Also called: VON RECKLINGHAUSEN DISEASE; Peripheral type neurofibromatosis; NEUROFIBROMATOSIS, TYPE I, SOMATIC; Neurofibromatosis, type I. Identifiers: Orphanet 636, MedGen C0027831, MONDO:0018975, OMIM 162200. Disease mechanism: loss of function.

Submission:

Labcorp Genetics (formerly Invitae), Labcorp
Classification: Pathogenic for Neurofibromatosis, type 1. Last evaluated: 2025-10-24. Review status: criteria provided, single submitter. Criteria: Invitae Variant Classification Sherloc (09022015). Collection method: clinical testing. Allele origin: germline.
Comment: This sequence change creates a premature translational stop signal (p.Glu225Lysfs*56) in the NF1 gene. It is expected to result in an absent or disrupted protein product. Loss-of-function variants in NF1 are known to be pathogenic (PMID: 10712197, 23913538). This variant is not present in population databases (gnomAD no frequency). This variant has not been reported in the literature in individuals affected with NF1-related conditions. For these reasons, this variant has been classified as Pathogenic.

Literature cited by the submitters: PubMed 10712197; PubMed 23913538.